The following is an entry in ClinVar:

NM_001369.3(DNAH5):c.8568T>G (p.Gly2856=)

Gene: DNAH5 (dynein axonemal heavy chain 5; minus strand). Cytogenetic location: 5p15.2.
Variant type: single nucleotide variant.
Coding change: c.8568T>G on transcript NM_001369.3 (MANE Select); coding-DNA position 8568, T replaced by G.
Protein change: p.Gly2856=; no amino-acid change (glycine 2856 retained).
Molecular consequence: synonymous variant.
Genome position (GRCh38, 1-based): chr5:13,788,795, A>C on the plus strand (T>G on the coding strand, the complement: DNAH5 is on the minus strand). VCF-style: chr5-13788795-A-C. GRCh37 (hg19) VCF-style: chr5-13788904-A-C.
Other names: c.8568T>G (NM_001369.2).
Identifiers: ClinVar variation 1543210 (VCV001543210.8), dbSNP rs1239991919, ClinGen allele CA443262080.

ClinVar aggregate classification (germline): Conflicting classifications of pathogenicity. Review status: criteria provided, conflicting classifications (1 of 4 stars). 2 submissions from 2 submitters: Uncertain significance (1); Likely benign (1). Last evaluated 2025-11-12.

Conditions:
Primary ciliary dyskinesia. Also called: Ciliary dyskinesia. Identifiers: Orphanet 244, MedGen C0008780, MONDO:0016575, HP:0012265.

Allele frequency attached by ClinVar (database versions not stated): gnomAD exomes below 0.00001.
gnomAD v4.1: 2 of 1,614,094 alleles (0.00012%); highest among the groups gnomAD compares: South Asian, 0.0022%; no homozygotes.

Submissions (2):

Ambry Genetics
Classification: Uncertain significance for Primary ciliary dyskinesia. Last evaluated: 2025-11-12. Review status: criteria provided, single submitter. Criteria: Ambry Variant Classification Scheme 2023. Collection method: clinical testing. Allele origin: germline.
Comment: The c.8568T>G variant (also known as p.G2856G), located in coding exon 51 of the DNAH5 gene, results from a T to G substitution at nucleotide position 8568. This nucleotide substitution does not change the amino acid at codon 2856. This nucleotide position is not well conserved in available vertebrate species. In silico splice site analysis for this alteration is inconclusive. Based on the available evidence, the clinical significance of this variant remains unclear.

Labcorp Genetics (formerly Invitae), Labcorp
Classification: Likely benign for Primary ciliary dyskinesia. Last evaluated: 2023-03-16. Review status: criteria provided, single submitter. Criteria: Invitae Variant Classification Sherloc (09022015). Collection method: clinical testing. Allele origin: germline.